The following is an entry in ClinVar:

NM_003998.4(NFKB1):c.851G>A (p.Arg284Gln)

Gene: NFKB1 (nuclear factor kappa B subunit 1; plus strand). Cytogenetic location: 4q24.
Variant type: single nucleotide variant.
Coding change: c.851G>A on transcript NM_003998.4 (MANE Select); coding-DNA position 851, G replaced by A.
Protein change: p.Arg284Gln; replaces arginine 284 with glutamine.
Molecular consequence: missense variant.
Genome position (GRCh38, 1-based): chr4:102,582,881, G>A. VCF-style: chr4-102582881-G-A. GRCh37 (hg19) VCF-style: chr4-103504038-G-A.
Other names: c.848G>A, p.Arg283Gln (NM_001165412.2, NM_001319226.2, NM_001382627.1); c.851G>A, p.Arg284Gln (NM_001382625.1, NM_001382626.1); c.809G>A, p.Arg270Gln (NM_001382628.1); short protein forms R283Q, R284Q, R270Q.
Identifiers: ClinVar variation 3684315 (VCV003684315.2).

ClinVar aggregate classification (germline): Uncertain significance (1 of 4 stars; one submission).

gnomAD v4.1: 2 of 1,611,080 alleles (0.00012%); highest among the groups gnomAD compares: Non-Finnish European, 0.00017%; no homozygotes.

Submission:

Labcorp Genetics (formerly Invitae), Labcorp
Classification: Uncertain significance. Last evaluated: 2024-10-24. Review status: criteria provided, single submitter. Criteria: Invitae Variant Classification Sherloc (09022015). Collection method: clinical testing. Allele origin: germline.
Comment: This sequence change replaces arginine, which is basic and polar, with glutamine, which is neutral and polar, at codon 284 of the NFKB1 protein (p.Arg284Gln). This variant is not present in population databases (gnomAD no frequency). This variant has not been reported in the literature in individuals affected with NFKB1-related conditions. Invitae Evidence Modeling of protein sequence and biophysical properties (such as structural, functional, and spatial information, amino acid conservation, physicochemical variation, residue mobility, and thermodynamic stability) indicates that this missense variant is expected to disrupt NFKB1 protein function with a positive predictive value of 80%. In summary, the available evidence is currently insufficient to determine the role of this variant in disease. Therefore, it has been classified as a Variant of Uncertain Significance.